The following is an entry in ClinVar:

ClinVar aggregate classification (germline): Conflicting classifications of pathogenicity. Review status: criteria provided, conflicting classifications (1 of 4 stars). 8 submissions from 8 submitters: Uncertain significance (5); Likely benign (2). 1 of the submissions does not count toward it. Last evaluated 2026-06-29.

Conditions:
TTN-related disorder. Also called: TTN-related condition; TTN-related disease; TTN-related disorders.
Cardiovascular phenotype. Identifiers: MedGen CN230736.
Autosomal recessive limb-girdle muscular dystrophy type 2J (LGMDR10). Also called: Limb-girdle muscular dystrophy, type 2J; MUSCULAR DYSTROPHY, LIMB-GIRDLE, AUTOSOMAL RECESSIVE 10. Identifiers: Orphanet 140922, MedGen C1837342, MONDO:0012127, OMIM 608807.
Dilated cardiomyopathy 1G (CMD1G). Identifiers: Orphanet 154, MedGen C1858763, MONDO:0011400, OMIM 604145.
Dilated cardiomyopathy 1S (CMD1S). Identifiers: Orphanet 154, Orphanet 54260, MedGen C1834481, MONDO:0013262, OMIM 613426.

Allele frequency attached by ClinVar (database versions not stated): TOPMed 0.00004; gnomAD 0.00005; gnomAD exomes 0.00006 and 0.00008; ESP Exome Variant Server 0.00008; ExAC 0.00011.
gnomAD v4.1: 99 of 1,613,584 alleles (0.0061%); highest among the groups gnomAD compares: Middle Eastern, 0.099%; no homozygotes.

Submissions (8):

PreventionGenetics, part of Exact Sciences
Classification: Uncertain significance for TTN-related condition. Last evaluated: 2026-06-29. Review status: criteria provided, single submitter. Criteria: ACMG Guidelines, 2015. Collection method: clinical testing. Allele origin: germline.
Comment: The TTN c.74305A>G variant is predicted to result in the amino acid substitution p.Asn24769Asp. This variant has been reported in an individual with dilated cardiomyopathy; however, this individual also carried other TTN variants (Table S5, Klauke et al. 2017. PubMed ID: 29253866). This variant is reported in 0.015% of alleles in individuals of European (Non-Finnish) descent in gnomAD. At this time, the clinical significance of this variant is uncertain due to the absence of conclusive functional and genetic evidence.

CeGaT Center for Human Genetics Tuebingen
Classification: Uncertain significance. Last evaluated: 2025-03-01. Review status: criteria provided, single submitter. Criteria: CeGaT Center For Human Genetics Tuebingen Variant Classification Criteria Version 2. Collection method: clinical testing. Allele origin: germline. Affected: yes. Observed: 1 variant allele.
Comment: TTN: PM2, BP4

Revvity Omics, Revvity
Classification: Uncertain significance. Last evaluated: 2022-01-10. Review status: criteria provided, single submitter. Criteria: ACMG Guidelines, 2015. Collection method: clinical testing. Allele origin: germline.

GeneDx
Classification: Likely benign. Last evaluated: 2020-07-22. Review status: criteria provided, single submitter. Criteria: GeneDx Variant Classification Process June 2021. Collection method: clinical testing. Allele origin: germline. Affected: yes.
Comment: This variant is associated with the following publications: (PMID: 29253866)

Ambry Genetics
Classification: Likely benign for Cardiovascular phenotype. Last evaluated: 2019-08-22. Review status: criteria provided, single submitter. Criteria: Ambry Variant Classification Scheme 2023. Collection method: clinical testing. Allele origin: germline.

Laboratory for Molecular Medicine, Mass General Brigham Personalized Medicine
Classification: Uncertain significance. Last evaluated: 2015-12-10. Review status: criteria provided, single submitter. Criteria: LMM Criteria. Collection method: clinical testing. Allele origin: germline. Observed: 2 variant alleles.
Comment: This variant has been identified in 12/66562 Euro pean chromosomes by the Exome Aggregation Consortium (ExAC; dbSNP rs372787601). Computational prediction tools and conservation analysis suggest that the p.Asn22201Asp variant may not impact the protein, thou gh this information is not predictive enough to rule out pathogenicity. In summa ry, the clinical significance of the p.Asn22201Asp variant is uncertain.

Labcorp Genetics (formerly Invitae), Labcorp
Classification: Uncertain significance for Dilated cardiomyopathy 1G; Autosomal recessive limb-girdle muscular dystrophy type 2J. Last evaluated: 2015-11-10. Review status: criteria provided, single submitter. Criteria: Invitae Variant Classification Sherloc (09022015). Collection method: clinical testing. Allele origin: germline.

Institut für Laboratoriums- und Transfusionsmedizin, Herz- und Diabeteszentrum Nordrhein-Westfalen
Classification: Uncertain significance for Dilated cardiomyopathy 1S. Last evaluated: 2016-05-01. Review status: no assertion criteria provided. Collection method: clinical testing. Allele origin: germline. Affected: yes. Observed: 1 variant allele. Not counted in ClinVar's aggregate classification.

NM_001267550.2(TTN):c.74305A>G (p.Asn24769Asp)

Genes: TTN (titin; minus strand), TTN-AS1 (TTN antisense RNA 1; plus strand). Cytogenetic location: 2q31.2.
Variant type: single nucleotide variant.
Coding change: c.74305A>G on transcript NM_001267550.2 (MANE Select); coding-DNA position 74305, A replaced by G.
Protein change: p.Asn24769Asp; replaces asparagine 24769 with aspartic acid.
Molecular consequence: missense variant.
Genome position (GRCh38, 1-based): chr2:178,571,827, T>C on the plus strand (A>G on the coding strand, the complement: TTN is on the minus strand). VCF-style: chr2-178571827-T-C. GRCh37 (hg19) VCF-style: chr2-179436554-T-C.
Other names: p.N22201D:AAT>GAT; c.47110A>G, p.Asn15704Asp (NM_003319.4); c.47485A>G, p.Asn15829Asp (NM_133432.3); c.47686A>G, p.Asn15896Asp (NM_133437.4); c.69382A>G, p.Asn23128Asp (NM_001256850.1); c.66601A>G, p.Asn22201Asp (NM_133378.4); short protein forms N23128D, N24769D, N22201D, N15704D, N15896D, N15829D.
Identifiers: ClinVar variation 202855 (VCV000202855.22), dbSNP rs372787601, ClinGen allele CA310493.